The following is an entry in ClinVar:

ClinVar aggregate classification (germline): Uncertain significance (1 of 4 stars; one submission).

Conditions:
Heterotopia, periventricular, X-linked dominant (PVNH1). Also called: PERIVENTRICULAR NODULAR HETEROTOPIA 1; X-linked periventricular heterotopia; PERIVENTRICULAR NODULAR HETEROTOPIA 4; HETEROTOPIA, PERIVENTRICULAR, 1. Identifiers: Orphanet 2149, Orphanet 82004, MedGen C1848213, MONDO:0010233, OMIM 300049.
Melnick-Needles syndrome (MNS). Also called: MELNICK-NEEDLES OSTEODYSPLASTY; OSTEODYSPLASTY OF MELNICK AND NEEDLES; Melnick-Needles Syndrome (FLNA-MNS). Identifiers: Orphanet 2484, MedGen C0025237, MONDO:0010650, OMIM 309350.
Frontometaphyseal dysplasia (FMD1). Identifiers: Orphanet 1826, MedGen C0265293, MONDO:0015942.
Oto-palato-digital syndrome, type II (OPD2). Also called: FACIOPALATOOSSEOUS SYNDROME; OPD II SYNDROME; Otopalatodigital Syndrome Type 2 (FLNA-OPD2); Otopalatodigital Syndrome, Type II. Identifiers: Orphanet 669, Orphanet 90652, MedGen C1844696, MONDO:0010571, OMIM 304120.

Submission:

Labcorp Genetics (formerly Invitae), Labcorp
Classification: Uncertain significance for Oto-palato-digital syndrome, type II; Heterotopia, periventricular, X-linked dominant; Frontometaphyseal dysplasia; Melnick-Needles syndrome. Last evaluated: 2025-06-23. Review status: criteria provided, single submitter. Criteria: Invitae Variant Classification Sherloc (09022015). Collection method: clinical testing. Allele origin: germline.
Comment: This sequence change replaces proline, which is neutral and non-polar, with leucine, which is neutral and non-polar, at codon 1323 of the FLNA protein (p.Pro1323Leu). This variant is not present in population databases (gnomAD no frequency). This variant has not been reported in the literature in individuals affected with FLNA-related conditions. Invitae Evidence Modeling of protein sequence and biophysical properties (such as structural, functional, and spatial information, amino acid conservation, physicochemical variation, residue mobility, and thermodynamic stability) has been performed for this missense variant. However, the output from this modeling did not meet the statistical confidence thresholds required to predict the impact of this variant on FLNA protein function. In summary, the available evidence is currently insufficient to determine the role of this variant in disease. Therefore, it has been classified as a Variant of Uncertain Significance.

NM_001110556.2(FLNA):c.3968C>T (p.Pro1323Leu)

Gene: FLNA (filamin A; minus strand). Cytogenetic location: Xq28.
Variant type: single nucleotide variant.
Coding change: c.3968C>T on transcript NM_001110556.2 (MANE Select); coding-DNA position 3968, C replaced by T.
Protein change: p.Pro1323Leu; replaces proline 1323 with leucine.
Molecular consequence: missense variant.
Genome position (GRCh38, 1-based): chrX:154,359,743, G>A on the plus strand (C>T on the coding strand, the complement: FLNA is on the minus strand). VCF-style: chrX-154359743-G-A. GRCh37 (hg19) VCF-style: chrX-153588111-G-A.
Other names: c.3968C>T, p.Pro1323Leu (NM_001456.4); short protein forms P1323L.
Identifiers: ClinVar variation 4794145 (VCV004794145.1).
Genomic context (GRCh38, chrX:154,359,743, plus strand): 5'-CCACCCCACCCACCCCGTCTGCCAGCCTGTGGGAGTCCCCAGCACGCACCCTCCTCGTAA[G>A]GCGTGTACTCCACTTTGTACATGCCATCGCCACGGTCCTGAACGTAGGTCTCCGTCAGGT-3'
Protein context (NP_001104026.1, residues 1313-1333): GDGMYKVEYT[Pro1323Leu]YEEGLHSVDV